The following is an entry in ClinVar:

NM_000038.6(APC):c.5775C>T (p.Pro1925=)

Gene: APC (APC regulator of Wnt signaling pathway; plus strand). Cytogenetic location: 5q22.2.
Variant type: single nucleotide variant.
Coding change: c.5775C>T on transcript NM_000038.6 (MANE Select); coding-DNA position 5775, C replaced by T.
Protein change: p.Pro1925=; no amino-acid change (proline 1925 retained).
Molecular consequence: synonymous variant.
Genome position (GRCh38, 1-based): chr5:112,841,369, C>T. VCF-style: chr5-112841369-C-T. GRCh37 (hg19) VCF-style: chr5-112177066-C-T.
Other names: c.5775C>T, p.Pro1925= (NM_001127510.3, NM_001354895.2); c.5721C>T, p.Pro1907= (NM_001127511.3); c.5829C>T, p.Pro1943= (NM_001354896.2); c.5805C>T, p.Pro1935= (NM_001354897.2); c.5700C>T, p.Pro1900= (NM_001354898.2); c.5691C>T, p.Pro1897= (NM_001354899.2); c.5652C>T, p.Pro1884= (NM_001354900.2); c.5598C>T, p.Pro1866= (NM_001354901.2); and 5 more.
Identifiers: ClinVar variation 506365 (VCV000506365.26), dbSNP rs562201671, ClinGen allele CA042933.

ClinVar aggregate classification (germline): Benign/Likely benign. Review status: criteria provided, multiple submitters, no conflicts (2 of 4 stars). 7 submissions from 7 submitters: Benign (1); Likely benign (6). Last evaluated 2025-10-27.

Conditions:
Classic or attenuated familial adenomatous polyposis. Identifiers: MedGen CN372698, MONDO:0021057.
Hereditary cancer-predisposing syndrome. Also called: Hereditary neoplastic syndrome; Neoplastic Syndromes, Hereditary; Tumor predisposition; Hereditary Cancer Syndrome. Identifiers: Orphanet 140162, MedGen C0027672, MeSH D009386, MONDO:0015356.
Familial adenomatous polyposis 1 (FAP1). Also called: FAMILIAL ADENOMATOUS POLYPOSIS 1, ATTENUATED; POLYPOSIS, ADENOMATOUS INTESTINAL. Identifiers: MedGen C2713442, MONDO:0021056, OMIM 175100. Disease mechanism: loss of function.

Allele frequency attached by ClinVar (database versions not stated): gnomAD below 0.00001 and 0.00001; ExAC 0.00002; gnomAD exomes 0.00002 and 0.00004; 1000 Genomes Project 30x 0.00016; 1000 Genomes Project 0.00020.
gnomAD v4.1: 27 of 1,613,608 alleles (0.0017%); highest among the groups gnomAD compares: South Asian, 0.026%; no homozygotes.

Submissions (7):

Labcorp Genetics (formerly Invitae), Labcorp
Classification: Likely benign for Familial adenomatous polyposis 1. Last evaluated: 2025-10-27. Review status: criteria provided, single submitter. Criteria: Invitae Variant Classification Sherloc (09022015). Collection method: clinical testing. Allele origin: germline.

Myriad Genetics, Inc.
Classification: Benign for Familial adenomatous polyposis 1. Last evaluated: 2024-04-02. Review status: criteria provided, single submitter. Criteria: Myriad Autosomal Dominant, Autosomal Recessive and X-Linked Classification Criteria (2023). Collection method: clinical testing. Allele origin: unknown.
Comment: This variant is considered benign. This variant is a silent/synonymous amino acid change and it is not expected to impact splicing.

All of Us Research Program, National Institutes of Health
Classification: Likely benign for Classic or attenuated familial adenomatous polyposis. Last evaluated: 2023-04-03. Review status: criteria provided, single submitter. Criteria: ACMG Guidelines, 2015. Collection method: clinical testing. Allele origin: germline. Inheritance: Autosomal dominant inheritance. Observed: 1 variant allele, 1 heterozygote.
Comment: This study involves interpretation of variants in research participants for the purpose of population health screening. Participant phenotype was not available at the time of variant classification. Additional details can be found in publication PMID: 35346344, PMCID: PMC8962531

Ambry Genetics
Classification: Likely benign for Hereditary cancer-predisposing syndrome. Last evaluated: 2020-11-17. Review status: criteria provided, single submitter. Criteria: Ambry Variant Classification Scheme 2023. Collection method: clinical testing. Allele origin: germline.

Blueprint Genetics
Classification: Likely benign. Last evaluated: 2020-01-07. Review status: criteria provided, single submitter. Criteria: ACMG Guidelines, 2015. Collection method: clinical testing. Allele origin: germline.

Color Diagnostics, LLC DBA Color Health
Classification: Likely benign for Hereditary cancer-predisposing syndrome. Last evaluated: 2019-09-17. Review status: criteria provided, single submitter. Criteria: ACMG Guidelines, 2015. Collection method: clinical testing. Allele origin: germline.

GeneDx
Classification: Likely benign. Last evaluated: 2019-05-22. Review status: criteria provided, single submitter. Criteria: GeneDx Variant Classification Process June 2021. Collection method: clinical testing. Allele origin: germline. Affected: yes.